The following is an entry in ClinVar:

NM_000143.4(FH):c.1237-50TC[25]

Gene: FH (fumarate hydratase; minus strand). Cytogenetic location: 1q43.
Variant type: Microsatellite.
Coding change: c.1237-50TC[25] on transcript NM_000143.4 (MANE Select); 25 copies in a row of the 2-base unit TC starting at c.1237-50; the reference has 19 copies in a row; six copies, 12 bases duplicated.
Molecular consequence: intron variant.
Genome position (GRCh38, 1-based): chr1:241,500,603-241,500,614, GAGAGAGAGAGA duplicated on the plus strand (TCTCTCTCTCTC on the coding strand, the reverse complement: FH is on the minus strand); duplicating any 12 consecutive bases within chr1:241,500,603-241,500,640 gives the same sequence; the position shown is the placement nearest the transcript's 3' end. VCF-style (leftmost placement, unchanged base first): chr1-241500602-T-TGAGAGAGAGAGA. GRCh37 (hg19) VCF-style: chr1-241663902-T-TGAGAGAGAGAGA.
Other names: c.1237-24_1237-13dup (NM_000143.4); c.1237-24_1237-13dupTCTCTCTCTCTC (NM_000143.4).
Identifiers: ClinVar variation 296870 (VCV000296870.18), dbSNP rs144131869, ClinGen allele CA10609926.
Genomic context (GRCh38, chr1:241,500,602, plus strand): 5'-AAACTGAAGCATCCCCCAGCAGCCTGGCTGAGTGTAACACATTTTTAATCTTTGAGTGAG[T>TGAGAGAGAGAGA]GAGAGAGAGAGAGAGAGAGAGAGAGAGAGAGAGAGAGACATTACTAAGGCAACATGTTTT-3'

ClinVar aggregate classification (germline): Benign/Likely benign. Review status: criteria provided, multiple submitters, no conflicts (2 of 4 stars). 8 submissions from 8 submitters: Benign (1); Likely benign (4). 3 of the submissions do not count toward it. Last evaluated 2025-03-04.

Conditions:
FH-related disorder. Also called: FH-related disorders; FH-related condition.
Hereditary leiomyomatosis and renal cell cancer. Also called: Reed syndrome; Multiple cutaneous and uterine leiomyomatosis; Cutaneous leiomyomata with uterine leiomyomata; Leiomyoma, hereditary multiple, of skin; Multiple cutaneous and uterine leiomyomata; MULTIPLE CUTANEOUS AND UTERINE LEIOMYOMATA 1, WITH OR WITHOUT RENAL CELL CARCINOMA. Identifiers: Orphanet 523, MedGen C1708350, MONDO:0007888, OMIM 150800, HP:0007437. Disease mechanism: loss of function.
Hereditary cancer-predisposing syndrome. Also called: Tumor predisposition; Hereditary Cancer Syndrome; Neoplastic Syndromes, Hereditary; Hereditary neoplastic syndrome. Identifiers: Orphanet 140162, MedGen C0027672, MeSH D009386, MONDO:0015356.

Submissions (8):

Center for Genomic Medicine, Rigshospitalet, Copenhagen University Hospital
Classification: Likely benign. Last evaluated: 2025-03-04. Review status: criteria provided, single submitter. Criteria: ACMG Guidelines, 2015. Collection method: clinical testing. Allele origin: germline.

Genomic Medicine Center of Excellence, King Faisal Specialist Hospital and Research Centre
Classification: Likely benign for Hereditary leiomyomatosis and renal cell cancer. Last evaluated: 2024-12-19. Review status: criteria provided, single submitter. Criteria: ACMG Guidelines, 2015. Collection method: clinical testing. Allele origin: germline.

Blueprint Genetics
Classification: Likely benign. Last evaluated: 2024-11-26. Review status: criteria provided, single submitter. Criteria: ACMG Guidelines, 2015. Collection method: clinical testing. Allele origin: germline.

Department of Pathology and Laboratory Medicine, Sinai Health System
Classification: Benign for Hereditary leiomyomatosis and renal cell cancer. Last evaluated: 2021-11-30. Review status: criteria provided, single submitter. Criteria: ACMG Guidelines, 2015. Collection method: clinical testing. Allele origin: germline. Affected: yes.

Sema4
Classification: Likely benign for Hereditary cancer-predisposing syndrome. Last evaluated: 2021-03-05. Review status: criteria provided, single submitter. Criteria: Sema4 Curation Guidelines. Collection method: curation. Allele origin: germline.

PreventionGenetics, part of Exact Sciences
Classification: Likely benign for FH-related condition. Last evaluated: 2023-05-09. Review status: no assertion criteria provided. Collection method: clinical testing. Allele origin: germline. Not counted in ClinVar's aggregate classification.
Comment: This variant is classified as likely benign based on ACMG/AMP sequence variant interpretation guidelines (Richards et al. 2015 PMID: 25741868, with internal and published modifications).

Genome Diagnostics Laboratory, Amsterdam University Medical Center
Classification: Likely benign. Review status: no assertion criteria provided. Collection method: clinical testing. Allele origin: germline. Affected: yes. Study: VKGL Data-share Consensus. Not counted in ClinVar's aggregate classification.

Laboratory of Diagnostic Genome Analysis, Leiden University Medical Center (LUMC)
Classification: Likely benign. Review status: no assertion criteria provided. Collection method: clinical testing. Allele origin: germline. Affected: yes. Study: VKGL Data-share Consensus. Not counted in ClinVar's aggregate classification.